The following is an entry in ClinVar:

ClinVar aggregate classification (germline): not provided (0 of 4 stars; one submission).

Conditions:
Normal pregnancy. Identifiers: MedGen C0232989.

Submission:

Institute of Molecular and Cell Biology, University of Tartu
No classification provided. Condition: Normal pregnancy. Review status: no classification provided. Collection method: case-control. Allele origin: unknown. Affected: yes. Study: Kasak2014.
Comment: The study aimed to determine the contribution of copy number variants in the genetic etiology of normal and complicated pregnancies. The samples represented (i) maternal blood DNA drawn from healthy pregnant women during 1st or 2nd trimester and (ii) maternal and paternal blood DNA drawn at term pregnancy cases representing normal and complicated gestations (severe preeclampsia, PE; gestational diabetes, GD; small-for-gestational age newborn, SGA; large-for-gestational age newborn, LGA). We performed CNV calling based on genome-wide genotyping dataset (Illumina HumanOmniExpress-24-v1 BeadChip) by applying three algorithms, QuantiSNP, GADA (Genome Alteration Detection Algorithm) and CNstream in parallel. The acquired CNV calls were merged with HD-CNV (Hotspot Detector for Copy Number Variants) program and only the CNVs predicted by at least two programs, were considered in subsequent analysis.

Literature cited by the submitters: PubMed 25666259.

NC_000007.14:g.76514388_77008124dup

Genes: LINC03009 (long intergenic non-protein coding RNA 3009; plus strand), POMZP3 (POM121 and ZP3 fusion; minus strand), SPDYE16 (speedy/RINGO cell cycle regulator family member E16; minus strand), UPK3B (uroplakin 3B; plus strand), LOC108228209 (7q11.23 distal recombination region; plus strand) and 4 more. Cytogenetic location: 7q11.23.
Variant type: Duplication.
Identifiers: ClinVar variation 157060 (VCV000157060.3).